The following is an entry in ClinVar:

NM_003764.4(STX11):c.114C>A (p.Asp38Glu)

Gene: STX11 (syntaxin 11; plus strand). Cytogenetic location: 6q24.2.
Variant type: single nucleotide variant.
Coding change: c.114C>A on transcript NM_003764.4 (MANE Select); coding-DNA position 114, C replaced by A.
Protein change: p.Asp38Glu; replaces aspartic acid 38 with glutamic acid.
Molecular consequence: missense variant.
Genome position (GRCh38, 1-based): chr6:144,186,741, C>A. VCF-style: chr6-144186741-C-A. GRCh37 (hg19) VCF-style: chr6-144507878-C-A.
Other names: c.114C>A (LRG_113t1); short protein forms D38E.
Identifiers: ClinVar variation 646767 (VCV000646767.7), dbSNP rs760218913, ClinGen allele CA4031627.

ClinVar aggregate classification (germline): Uncertain significance (1 of 4 stars; one submission).

Conditions:
Familial hemophagocytic lymphohistiocytosis 4 (FHL4). Also called: STX11-Related Familial Hemophagocytic Lymphohistiocytosis (STX11-fHLH). Identifiers: Orphanet 540, MedGen C1863728, MONDO:0011336, OMIM 603552.

Allele frequency attached by ClinVar (database versions not stated): ExAC 0.00001; gnomAD exomes 0.00002.
gnomAD v4.1: 6 of 1,614,184 alleles (0.00037%); highest among the groups gnomAD compares: East Asian, 0.013%; no homozygotes.

Submission:

Labcorp Genetics (formerly Invitae), Labcorp
Classification: Uncertain significance for Familial hemophagocytic lymphohistiocytosis 4. Last evaluated: 2025-07-07. Review status: criteria provided, single submitter. Criteria: Invitae Variant Classification Sherloc (09022015). Collection method: clinical testing. Allele origin: germline.
Comment: This sequence change replaces aspartic acid, which is acidic and polar, with glutamic acid, which is acidic and polar, at codon 38 of the STX11 protein (p.Asp38Glu). This variant is present in population databases (rs760218913, gnomAD 0.02%). This variant has not been reported in the literature in individuals affected with STX11-related conditions. ClinVar contains an entry for this variant (Variation ID: 646767). Invitae Evidence Modeling of protein sequence and biophysical properties (such as structural, functional, and spatial information, amino acid conservation, physicochemical variation, residue mobility, and thermodynamic stability) indicates that this missense variant is not expected to disrupt STX11 protein function with a negative predictive value of 80%. In summary, the available evidence is currently insufficient to determine the role of this variant in disease. Therefore, it has been classified as a Variant of Uncertain Significance.